The following is an entry in ClinVar:

ClinVar aggregate classification (germline): Uncertain significance (1 of 4 stars; one submission).

Conditions:
Telangiectasia, hereditary hemorrhagic, type 5 (HHT5). Identifiers: Orphanet 774, MedGen C3809710, MONDO:0014217, OMIM 615506.

gnomAD v4.1: 3 of 1,613,618 alleles (0.00019%); highest among the groups gnomAD compares: African/African-American, 0.0013%; no homozygotes.

Submission:

Labcorp Genetics (formerly Invitae), Labcorp
Classification: Uncertain significance for Telangiectasia, hereditary hemorrhagic, type 5. Last evaluated: 2023-05-02. Review status: criteria provided, single submitter. Criteria: Invitae Variant Classification Sherloc (09022015). Collection method: clinical testing. Allele origin: germline.
Comment: This variant is present in population databases (rs782015913, gnomAD 0.01%). In summary, the available evidence is currently insufficient to determine the role of this variant in disease. Therefore, it has been classified as a Variant of Uncertain Significance. An algorithm developed to predict the effect of missense changes on protein structure and function (PolyPhen-2) suggests that this variant is likely to be disruptive. This variant has not been reported in the literature in individuals affected with GDF2-related conditions. This sequence change replaces glycine, which is neutral and non-polar, with tryptophan, which is neutral and slightly polar, at codon 42 of the GDF2 protein (p.Gly42Trp).

NM_016204.4(GDF2):c.124G>T (p.Gly42Trp)

Gene: GDF2 (growth differentiation factor 2; plus strand). Cytogenetic location: 10q11.22.
Variant type: single nucleotide variant.
Coding change: c.124G>T on transcript NM_016204.4 (MANE Select); coding-DNA position 124, G replaced by T.
Protein change: p.Gly42Trp; replaces glycine 42 with tryptophan.
Molecular consequence: missense variant.
Genome position (GRCh38, 1-based): chr10:47,322,792, G>T. VCF-style: chr10-47322792-G-T. GRCh37 (hg19) VCF-style: chr10-48416570-C-A.
Other names: short protein forms G42W.
Identifiers: ClinVar variation 2911096 (VCV002911096.1), dbSNP rs782015913, ClinGen allele CA5488199.
Genomic context (GRCh38, chr10:47,322,792, plus strand): 5'-GGGAAGCCACTGCAGAGCTGGGGACGAGGGTCTGCTGGGGGAAACGCCCACAGCCCACTG[G>T]GGGTGCCTGGAGGTGGGCTGCCTGAGCACACCTTCAACCTGAAGATGTTTCTGGAGAACG-3'
Protein context (NP_057288.1, residues 32-52): SAGGNAHSPL[Gly42Trp]VPGGGLPEHT